The following is an entry in ClinVar:

NM_001103.4(ACTN2):c.2497G>A (p.Ala833Thr)

Gene: ACTN2 (actinin alpha 2; plus strand). Cytogenetic location: 1q43.
Variant type: single nucleotide variant.
Coding change: c.2497G>A on transcript NM_001103.4 (MANE Select); coding-DNA position 2497, G replaced by A.
Protein change: p.Ala833Thr; replaces alanine 833 with threonine.
Molecular consequence: missense variant.
Genome position (GRCh38, 1-based): chr1:236,761,144, G>A. VCF-style: chr1-236761144-G-A. GRCh37 (hg19) VCF-style: chr1-236924444-G-A.
Other names: c.2497G>A, p.Ala833Thr (NM_001278343.2); c.1873G>A, p.Ala625Thr (NM_001278344.2); short protein forms A833T, A625T.
Identifiers: ClinVar variation 155773 (VCV000155773.17), dbSNP rs200854335, ClinGen allele CA237025.

ClinVar aggregate classification (germline): Conflicting classifications of pathogenicity. Review status: criteria provided, conflicting classifications (1 of 4 stars). 5 submissions from 5 submitters: Uncertain significance (4); Likely benign (1). Last evaluated 2026-01-28.

Conditions:
Cardiovascular phenotype. Identifiers: MedGen CN230736.
Dilated cardiomyopathy 1AA (CMD1AA). Also called: CARDIOMYOPATHY, DILATED, 1AA, WITH OR WITHOUT LEFT VENTRICULAR NONCOMPACTION; CARDIOMYOPATHY, FAMILIAL HYPERTROPHIC, 23, WITH OR WITHOUT LEFT VENTRICULAR NONCOMPACTION; Cardiomyopathy, dilated, 1AA, with or without LVNC. Identifiers: Orphanet 154, MedGen C2677338, MONDO:0012808, OMIM 612158.
Primary familial hypertrophic cardiomyopathy (HCM). Identifiers: Orphanet 99739, MedGen C0949658, MeSH D024741, MONDO:0024573. Inheritance: Various modes of inheritance.

Allele frequency attached by ClinVar (database versions not stated): gnomAD exomes 0.00003 and 0.00008; TOPMed 0.00004; gnomAD 0.00005 and 0.00006; ExAC 0.00011; 1000 Genomes Project 30x 0.00016; 1000 Genomes Project 0.00020.
gnomAD v4.1: 58 of 1,614,032 alleles (0.0036%); highest among the groups gnomAD compares: Non-Finnish European, 0.0043%; no homozygotes.

Submissions (5):

Labcorp Genetics (formerly Invitae), Labcorp
Classification: Uncertain significance for Primary familial hypertrophic cardiomyopathy; Dilated cardiomyopathy 1AA. Last evaluated: 2026-01-28. Review status: criteria provided, single submitter. Criteria: Invitae Variant Classification Sherloc (09022015). Collection method: clinical testing. Allele origin: germline.
Comment: This sequence change replaces alanine, which is neutral and non-polar, with threonine, which is neutral and polar, at codon 833 of the ACTN2 protein (p.Ala833Thr). This variant is present in population databases (rs200854335, gnomAD 0.01%), and has an allele count higher than expected for a pathogenic variant. This variant has not been reported in the literature in individuals affected with ACTN2-related conditions. ClinVar contains an entry for this variant (Variation ID: 155773). An algorithm developed to predict the effect of missense changes on protein structure and function (PolyPhen-2) suggests that this variant is likely to be disruptive. In summary, the available evidence is currently insufficient to determine the role of this variant in disease. Therefore, it has been classified as a Variant of Uncertain Significance.

Ambry Genetics
Classification: Uncertain significance for Cardiovascular phenotype. Last evaluated: 2025-01-23. Review status: criteria provided, single submitter. Criteria: Ambry Variant Classification Scheme 2023. Collection method: clinical testing. Allele origin: germline.

Blueprint Genetics
Classification: Likely benign. Last evaluated: 2024-06-13. Review status: criteria provided, single submitter. Criteria: ACMG Guidelines, 2015. Collection method: clinical testing. Allele origin: germline.

GeneDx
Classification: Uncertain significance. Last evaluated: 2016-11-28. Review status: criteria provided, single submitter. Criteria: GeneDx Variant Classification (06012015). Collection method: clinical testing. Allele origin: germline. Affected: yes.
Comment: The A833T variant in the ACTN2 gene has been reported as a variant of uncertain significance in one individual from a cohort of individuals not selected for cardiomyopathy, arrhythmia, or family history of sudden cardiac death, who underwent exome sequencing (Ng et al., 2013). This variant has also been classified as a variant of uncertain significance by another clinical laboratory in ClinVar (SCV000188735.2 ; Landrum et al., 2016). Nevertheless, the A833T variant was not observed in approximately 6,500 individuals of European and African American ancestry in the NHLBI Exome Sequencing Project, indicating it is not a common benign variant in these populations. The A833T variant is a non-conservative amino acid substitution, which is likely to impact secondary protein structure as these residues differ in polarity, charge, size and/or other properties. This substitution occurs at a position that is conserved across species. Finally, in silico analysis suggests that this variant is probably damaging to the protein structure/function. Therefore, based on the currently available information, it is unclear whether this variant is pathogenic or rare benign.

Biesecker Lab/Clinical Genomics Section, National Institutes of Health
Classification: Uncertain significance. Last evaluated: 2013-06-24. Review status: criteria provided, single submitter. Criteria: Ng et al. (Circ Cardiovasc Genet. 2013). Collection method: research. Allele origin: unknown. Observed: 1 variant allele. Study: ClinSeq.
Comment: The study set was not selected for affection status in relation to any cancer. Pathogenicity categories were based on literature curation. See Pubmed ID:23861362 for details.

Medical sequencing